The following is an entry in ClinVar:

NM_001351132.2(PEX5):c.183G>A (p.Glu61=)

Gene: PEX5 (peroxisomal biogenesis factor 5; plus strand). Cytogenetic location: 12p13.31.
Variant type: single nucleotide variant.
Coding change: c.183G>A on transcript NM_001351132.2 (MANE Select); coding-DNA position 183, G replaced by A.
Protein change: p.Glu61=; no amino-acid change (glutamic acid 61 retained).
Molecular consequence: synonymous variant.
Genome position (GRCh38, 1-based): chr12:7,190,923, G>A. VCF-style: chr12-7190923-G-A. GRCh37 (hg19) VCF-style: chr12-7343519-G-A.
Other names: c.183G>A, p.Glu61= (NM_000319.5, NM_001131024.2, NM_001131025.2 and 19 more transcripts); c.228G>A, p.Glu76= (NM_001131023.2, NM_001351135.3, NM_001351138.2).
Identifiers: ClinVar variation 2010412 (VCV002010412.3), dbSNP rs767941689, ClinGen allele CA6426039.
Genomic context (GRCh38, chr12:7,190,923, plus strand): 5'-GTACATCTCTGTCTTTCTCTCTTAGGCCTCCAAGCCTTTGGGAGTAGCTTCTGAAGATGA[G>A]GTAAATAGACCAGTCTCTTTTCTGTCCCATTTTTCTCTTGCCCACTGTGTTTTTACCTTT-3'
Protein context (NP_001338061.1, residues 51-71): SKPLGVASED[Glu61=]LVAEFLQDQN

ClinVar aggregate classification (germline): Uncertain significance. Review status: criteria provided, multiple submitters, no conflicts (2 of 4 stars). 2 submissions from 2 submitters: Uncertain significance (2). Last evaluated 2022-08-16.

Conditions:
Peroxisome biogenesis disorder 2B (PBD2B). Identifiers: Orphanet 44, MedGen C3550234, MONDO:0008736, OMIM 202370.
Inborn genetic diseases. Identifiers: MedGen C0950123, MeSH D030342.

Allele frequency attached by ClinVar (database versions not stated): gnomAD exomes below 0.00001; TOPMed below 0.00001; ExAC 0.00001; gnomAD 0.00001.
gnomAD v4.1: 4 of 1,612,212 alleles (0.00025%); highest among the groups gnomAD compares: East Asian, 0.0067%; no homozygotes.

Submissions (2):

Labcorp Genetics (formerly Invitae), Labcorp
Classification: Uncertain significance for Peroxisome biogenesis disorder 2B. Last evaluated: 2022-08-16. Review status: criteria provided, single submitter. Criteria: Invitae Variant Classification Sherloc (09022015). Collection method: clinical testing. Allele origin: germline.
Comment: In summary, the available evidence is currently insufficient to determine the role of this variant in disease. Therefore, it has been classified as a Variant of Uncertain Significance. Variants that disrupt the consensus splice site are a relatively common cause of aberrant splicing (PMID: 17576681, 9536098). Algorithms developed to predict the effect of sequence changes on RNA splicing suggest that this variant may disrupt the consensus splice site. This variant has not been reported in the literature in individuals affected with PEX5-related conditions. This variant is present in population databases (rs767941689, gnomAD 0.02%). This sequence change affects codon 61 of the PEX5 mRNA. It is a 'silent' change, meaning that it does not change the encoded amino acid sequence of the PEX5 protein. This variant also falls at the last nucleotide of exon 3, which is part of the consensus splice site for this exon.

Ambry Genetics
Classification: Uncertain significance for Inborn genetic diseases. Last evaluated: 2021-12-20. Review status: criteria provided, single submitter. Criteria: Ambry Variant Classification Scheme 2023. Collection method: clinical testing. Allele origin: germline.
Comment: Occurs in the last base pair of the exon Based on insufficient or conflicting evidence, the clinical significance of this alteration remains unclear.

Literature cited by the submitters: PubMed 17576681 (cited by Labcorp Genetics (formerly Invitae), Labcorp); PubMed 9536098 (cited by Labcorp Genetics (formerly Invitae), Labcorp).